The following is an entry in ClinVar:

NM_024675.4(PALB2):c.2052del (p.Arg686fs)

Gene: PALB2 (partner and localizer of BRCA2; minus strand). Cytogenetic location: 16p12.2.
Variant type: Deletion.
Coding change: c.2052del on transcript NM_024675.4 (MANE Select); coding-DNA position 2052, one base deleted (C; older notation c.2052delC).
Protein change: p.Arg686fs; shifts the reading frame from arginine 686.
Molecular consequence: frameshift variant.
Genome position (GRCh38, 1-based): chr16:23,630,102, G deleted on the plus strand (C on the coding strand, the reverse complement: PALB2 is on the minus strand); the first of 3 consecutive G bases (chr16:23,630,102-23,630,104); deleting any one gives the same sequence. VCF-style (leftmost placement, unchanged base first): chr16-23630101-TG-T. GRCh37 (hg19) VCF-style: chr16-23641422-TG-T.
Other names: c.2052delC (NM_024675.3).
Identifiers: ClinVar variation 142733 (VCV000142733.38), dbSNP rs587782680, ClinGen allele CA294475.
Genomic context (GRCh38, chr16:23,630,101, plus strand): 5'-AAAGTAATATGGATGAAGAAAGGCCCGTCTTTGTATGCTGGCTTTGCGAGTTTGGCCTTT[TG>T]GGATGTGATTTTCCTGGTAGAACAATAAGGTCCTCTTCTAAGTCCTCCATTTCTGTATCC-3'

ClinVar aggregate classification (germline): Pathogenic. Review status: criteria provided, multiple submitters, no conflicts (2 of 4 stars). 13 submissions from 13 submitters: Pathogenic (12). 1 of the submissions does not count toward it. Last evaluated 2026-01-13.

Conditions:
PALB2-related disorder. Also called: PALB2-related condition; PALB2-related disorders.
Inherited breast cancer and ovarian cancer.
Pancreatic cancer, susceptibility to, 3. Identifiers: Orphanet 1333, MedGen C3150547, MONDO:0013236, OMIM 613348.
Fanconi anemia complementation group N. Also called: PALB2-Related Fanconi Anemia. Identifiers: Orphanet 84, MedGen C1835817, MONDO:0012565, OMIM 610832. Disease mechanism: loss of function.
Familial cancer of breast. Also called: BREAST CANCER, FAMILIAL; Hereditary breast cancer; hereditary breast carcinoma. Identifiers: Orphanet 227535, MedGen C0346153, MONDO:0016419, OMIM 114480. Disease mechanism: loss of function.
Hereditary cancer-predisposing syndrome. Also called: Tumor predisposition; Neoplastic Syndromes, Hereditary; Hereditary neoplastic syndrome; Hereditary Cancer Syndrome. Identifiers: Orphanet 140162, MedGen C0027672, MeSH D009386, MONDO:0015356.
Malignant tumor of breast. Also called: Malignant breast neoplasm; Cancer breast. Identifiers: MedGen C0006142, MONDO:0007254. Disease mechanism: loss of function.

Submissions (13):

Labcorp Genetics (formerly Invitae), Labcorp
Classification: Pathogenic for Familial cancer of breast. Last evaluated: 2026-01-13. Review status: criteria provided, single submitter. Criteria: Invitae Variant Classification Sherloc (09022015). Collection method: clinical testing. Allele origin: germline.
Comment: This sequence change creates a premature translational stop signal (p.Arg686Glyfs*23) in the PALB2 gene. It is expected to result in an absent or disrupted protein product. Loss-of-function variants in PALB2 are known to be pathogenic (PMID: 17200668, 17200671, 17200672, 24136930, 25099575). This variant is present in population databases (rs587782680, gnomAD 0.002%). This premature translational stop signal has been observed in individual(s) with prostate cancer and breast cancer (PMID: 25794774, 26681312, 27433846, 28194609). ClinVar contains an entry for this variant (Variation ID: 142733). For these reasons, this variant has been classified as Pathogenic.

PreventionGenetics, part of Exact Sciences
Classification: Pathogenic for PALB2-related condition. Last evaluated: 2025-11-19. Review status: criteria provided, single submitter. Criteria: ACMG Guidelines, 2015. Collection method: clinical testing. Allele origin: germline.
Comment: The PALB2 c.2052delC variant is predicted to result in a frameshift and premature protein termination (p.Arg686Glyfs*23). This variant has been reported in individuals with breast cancer (Lerner-Ellis et al. 2017. PubMed ID: 28194609; Supplemental Data 2, Lu et al. 2015. PubMed ID: 26689913; Supplemental Table S1, Susswein et al. 2015. PubMed ID: 26681312) and prostate cancer (Supplementary Table S2, Pritchard et al. 2016. PubMed ID: 27433846). This variant is reported in 0.0018% of alleles in individuals of European (Non-Finnish) descent in gnomAD and is interpreted as pathogenic in ClinVar (Variation ID: 142733). Frameshift variants in PALB2 are expected to be pathogenic. This variant is interpreted as pathogenic.

Genetics Laboratory, Great Ormond Street Hospital NHS Foundation Trust, North Thames Genomic Laboratory Hub
Classification: Pathogenic for Inherited breast cancer and ovarian cancer. Last evaluated: 2025-09-18. Review status: criteria provided, single submitter. Criteria: CanVIG PALB2 Gene Specific V1.2. Collection method: clinical testing. Allele origin: germline. Affected: yes.
Comment: PM2_supporting, PVS1_very-strong, PM5_supporting

Molecular Pathology, Peter Maccallum Cancer Centre
Classification: Pathogenic for Familial cancer of breast. Last evaluated: 2024-10-31. Review status: criteria provided, single submitter. Criteria: ACMG Guidelines, 2015. Collection method: clinical testing. Allele origin: germline. Inheritance: Autosomal dominant inheritance.

GeneDx
Classification: Pathogenic. Last evaluated: 2024-09-01. Review status: criteria provided, single submitter. Criteria: GeneDx Variant Classification Process June 2021. Collection method: clinical testing. Allele origin: germline. Affected: yes.
Comment: Frameshift variant predicted to result in protein truncation or nonsense mediated decay in a gene for which loss of function is a known mechanism of disease; Observed in individuals with a personal or family history consistent with pathogenic variants in this gene (PMID: 25794774, 34113003, 28194609, 35750695); Not observed at significant frequency in large population cohorts (gnomAD); Truncating variants in this gene are considered pathogenic by a well-established clinical consortium and/or database; This variant is associated with the following publications: (PMID: 26681312, 27433846, 28194609, 28152038, 28779002, 29625052, 32885271, 31447099, 31841383, 33646313, 25099575, 26689913, 24136930, 17200668, 33471991, 29922827, 35750695, 34113003, 33804961, 34326862, 36451132, 34887416, 25794774)

Color Diagnostics, LLC DBA Color Health
Classification: Pathogenic for Hereditary cancer-predisposing syndrome. Last evaluated: 2024-08-27. Review status: criteria provided, single submitter. Criteria: ACMG Guidelines, 2015. Collection method: clinical testing. Allele origin: germline.
Comment: This variant deletes 1 nucleotide in exon 5 of the PALB2 gene, creating a frameshift and premature translation stop signal. This variant is expected to result in an absent or non-functional protein product. This variant has been reported in multiple individuals affected with breast cancer (PMID: 25794774, 28194609, 28779002, 31841383, 34113003) and in a breast cancer case-control meta-analysis in 6/60466 cases and 0/53461 unaffected individuals (PMID: 33471991; Leiden Open Variation Database DB-ID PALB2_010946). This variant also has been reported in an individual affected with prostate cancer (PMID: 27433846). This variant has been identified in 2/251460 chromosomes in the general population by the Genome Aggregation Database (gnomAD). Loss of PALB2 function is a known mechanism of disease. Based on the available evidence, this variant is classified as Pathogenic.

Ambry Genetics
Classification: Pathogenic for Hereditary cancer-predisposing syndrome. Last evaluated: 2024-07-30. Review status: criteria provided, single submitter. Criteria: Ambry Variant Classification Scheme 2023. Collection method: clinical testing. Allele origin: germline.
Comment: The c.2052delC pathogenic mutation, located in coding exon 5 of the PALB2 gene, results from a deletion of one nucleotide at nucleotide position 2052, causing a translational frameshift with a predicted alternate stop codon (p.R686Gfs*23). This alteration has been identified in multiple families with breast cancer (Snyder C et al. Breast Cancer Res. Treat. 2015 Apr;150:637-41; Susswein LR et al. Genet. Med. 2016 08;18(8):823-32; Lerner-Ellis J et al. Breast Cancer Res. Treat. 2017 04;162(3):591-596; Dorling et al. N Engl J Med. 2021 02;384:428-439) and one individual with metastatic prostate cancer (Pritchard CC et al. N. Engl. J. Med. 2016 Aug;375(5):443-53). In addition to the clinical data presented in the literature, this alteration is expected to result in loss of function by premature protein truncation or nonsense-mediated mRNA decay. As such, this alteration is interpreted as a disease-causing mutation.

Baylor Genetics
Classification: Pathogenic for Familial cancer of breast. Last evaluated: 2024-03-04. Review status: criteria provided, single submitter. Criteria: ACMG Guidelines, 2015. Collection method: clinical testing. Allele origin: unknown.

Myriad Genetics, Inc.
Classification: Pathogenic for Familial cancer of breast. Last evaluated: 2023-09-12. Review status: criteria provided, single submitter. Criteria: Myriad Autosomal Dominant, Autosomal Recessive and X-Linked Classification Criteria (2023). Collection method: clinical testing. Allele origin: unknown.
Comment: This variant is considered pathogenic. This variant creates a frameshift predicted to result in premature protein truncation.

Fulgent Genetics
Classification: Pathogenic for Familial cancer of breast; Fanconi anemia complementation group N; Pancreatic cancer, susceptibility to, 3. Last evaluated: 2021-06-30. Review status: criteria provided, single submitter. Criteria: ACMG Guidelines, 2015. Collection method: clinical testing. Allele origin: unknown.
Comment: This variant has been detected in individual(s) who were sent for testing of Renasight - kidney gene panel.

Women's Health and Genetics/Laboratory Corporation of America, LabCorp
Classification: Pathogenic for Malignant tumor of breast. Last evaluated: 2021-03-29. Review status: criteria provided, single submitter. Criteria: LabCorp Variant Classification Summary - May 2015. Collection method: clinical testing. Allele origin: germline.
Comment: Variant summary: PALB2 c.2052delC (p.Arg686GlyfsX23) results in a premature termination codon, predicted to cause a truncation of the encoded protein or absence of the protein due to nonsense mediated decay, which are commonly known mechanisms for disease. Truncations downstream of this position have been classified as pathogenic by our laboratory. The variant allele was found at a frequency of 8e-06 in 251460 control chromosomes. c.2052delC has been widely reported in the literature in three affected cases of a family with breast cancer in which two unaffected obligate carrier individuals were also identified (Snyder_2015); lobular breast cancer (example, Snyder_2015, Susswein_2016), unspecified breast cancer (example, Lerner-Ellis_2017, Yang_2020), prostate cancer (example, Pritchard_2016). These data indicate that the variant is very likely to be associated with disease. To our knowledge, no experimental evidence demonstrating an impact on protein function has been reported. Five clinical diagnostic laboratories have submitted clinical-significance assessments for this variant to ClinVar after 2014 without evidence for independent evaluation. All laboratories classified the variant as pathogenic. Some submitters cite overlapping evidence utilized in the context of this evaluation. Based on the evidence outlined above, the variant was classified as pathogenic.

Quest Diagnostics Nichols Institute San Juan Capistrano
Classification: Pathogenic. Last evaluated: 2017-12-29. Review status: criteria provided, single submitter. Criteria: Quest Diagnostics criteria. Collection method: clinical testing. Allele origin: germline.

Department of Pathology and Laboratory Medicine, Sinai Health System
Classification: Pathogenic for Malignant tumor of breast. Review status: no assertion criteria provided. Collection method: clinical testing. Allele origin: unknown. Affected: yes. Study: The Canadian Open Genetics Repository (COGR). Not counted in ClinVar's aggregate classification.
Comment: The PALB2 p.Arg686GlyfsX23 variant was identified in 1 of 180 proband chromosomes (frequency: 0.006) from individuals or families with BRCA1/2 negative breast cancer (Snyder_2015_ 25794774). The variant was also identified in dbSNP (ID: rs587782680) â€šÃ„ÃºWith Pathogenic alleleâ€šÃ„Ã¹, ClinVar (classified pathogenic by Ambry Genetics and GeneDx), Clinvitae (2x), and was not identified in Cosmic, MutDB, LOVD 3.0, Zhejiang Colon Cancer Database, the 1000 Genomes Project, the NHLBI GO Exome Sequencing Project, the Exome Aggregation Consortium (August 8th 2016), or the Genome Aggregation Database (Feb 27, 2017). The c.2052del variant is predicted to cause a frameshift, which alters the protein's amino acid sequence beginning at codon 686 and leads to a premature stop codon 23 codons downstream. This alteration is then predicted to result in a truncated or absent protein and loss of function. Loss of function variants of the PALB2 gene are an established mechanism of disease in hereditary breast cancer and is the type of variant expected to cause the disorder. In summary, based on the above information this variant meets our laboratoryâ€šÃ„Ã´s criteria to be classified as pathogenic.

Literature cited by the submitters: PubMed 17200668 (cited by Labcorp Genetics (formerly Invitae), Labcorp); PubMed 17200671 (cited by Labcorp Genetics (formerly Invitae), Labcorp); PubMed 17200672 (cited by Labcorp Genetics (formerly Invitae), Labcorp); PubMed 24136930 (cited by Labcorp Genetics (formerly Invitae), Labcorp); PubMed 25099575 (cited by Labcorp Genetics (formerly Invitae), Labcorp); PubMed 25794774 (cited by 4 submitters); PubMed 26681312 (cited by Labcorp Genetics (formerly Invitae), Labcorp and Women's Health and Genetics/Laboratory Corporation of America, LabCorp); PubMed 27433846 (cited by 3 submitters); PubMed 28194609 (cited by 3 submitters); PubMed 28779002 (cited by Color Diagnostics, LLC DBA Color Health); PubMed 31841383 (cited by Color Diagnostics, LLC DBA Color Health and Women's Health and Genetics/Laboratory Corporation of America, LabCorp); PubMed 33471991 (cited by Color Diagnostics, LLC DBA Color Health and Ambry Genetics); PubMed 34113003 (cited by Color Diagnostics, LLC DBA Color Health).